The following is an entry in ClinVar:

ClinVar aggregate classification (germline): Uncertain significance (1 of 4 stars; one submission).

Conditions:
Adenylosuccinate lyase deficiency (ADSLD). Also called: ADSL DEFICIENCY. Identifiers: Orphanet 46, MedGen C0268126, MONDO:0007068, OMIM 103050.

Submission:

Labcorp Genetics (formerly Invitae), Labcorp
Classification: Uncertain significance for Adenylosuccinate lyase deficiency. Last evaluated: 2022-03-18. Review status: criteria provided, single submitter. Criteria: Invitae Variant Classification Sherloc (09022015). Collection method: clinical testing. Allele origin: germline.
Comment: This sequence change replaces methionine, which is neutral and non-polar, with isoleucine, which is neutral and non-polar, at codon 181 of the ADSL protein (p.Met181Ile). This variant is not present in population databases (gnomAD no frequency). This variant has not been reported in the literature in individuals affected with ADSL-related conditions. Advanced modeling of protein sequence and biophysical properties (such as structural, functional, and spatial information, amino acid conservation, physicochemical variation, residue mobility, and thermodynamic stability) performed at Invitae indicates that this missense variant is not expected to disrupt ADSL protein function. Algorithms developed to predict the effect of sequence changes on RNA splicing suggest that this variant may create or strengthen a splice site. In summary, the available evidence is currently insufficient to determine the role of this variant in disease. Therefore, it has been classified as a Variant of Uncertain Significance.

NM_000026.4(ADSL):c.543G>A (p.Met181Ile)

Gene: ADSL (adenylosuccinate lyase; plus strand). Cytogenetic location: 22q13.1.
Variant type: single nucleotide variant.
Coding change: c.543G>A on transcript NM_000026.4 (MANE Select); coding-DNA position 543, G replaced by A.
Protein change: p.Met181Ile; replaces methionine 181 with isoleucine.
Molecular consequence: missense variant. On other transcripts: non-coding transcript variant (1).
Genome position (GRCh38, 1-based): chr22:40,358,924, G>A. VCF-style: chr22-40358924-G-A. GRCh37 (hg19) VCF-style: chr22-40754928-G-A.
Other names: c.543G>A, p.Met181Ile (NM_001123378.3, NM_001363840.3, NM_001410812.1 and 1 more transcripts); c.351G>A, p.Met117Ile (NM_001317923.2); c.498G>A, p.Met166Ile (NM_001410814.1); short protein forms M181I, M117I, M166I.
Identifiers: ClinVar variation 2053741 (VCV002053741.4), dbSNP rs2518111880, ClinGen allele CA411640776.